The following is an entry in ClinVar:

NM_005228.5(EGFR):c.1007-5T>C

Genes: EGFR (epidermal growth factor receptor; plus strand), LOC126860048 (P300/CBP strongly-dependent group 1 enhancer GRCh37_chr7:55223847-55225046; plus strand). Cytogenetic location: 7p11.2.
Variant type: single nucleotide variant.
Coding change: c.1007-5T>C on transcript NM_005228.5 (MANE Select); 5 bases into the intron before coding-DNA position 1007, T replaced by C.
Molecular consequence: intron variant.
Genome position (GRCh38, 1-based): chr7:55,156,528, T>C. VCF-style: chr7-55156528-T-C. GRCh37 (hg19) VCF-style: chr7-55224221-T-C.
Other names: c.872-5T>C (NM_001346899.2, NM_001346897.2); c.206-5T>C (NM_001346941.2); c.1007-5T>C (NM_001346898.2, NM_201284.2, NM_201282.2 and 1 more transcripts); c.848-5T>C (NM_001346900.2).
Identifiers: ClinVar variation 736983 (VCV000736983.13), dbSNP rs1243474404, ClinGen allele CA574695784.

ClinVar aggregate classification (germline): Conflicting classifications of pathogenicity. Review status: criteria provided, conflicting classifications (1 of 4 stars). 3 submissions from 3 submitters: Uncertain significance (1); Likely benign (2). Last evaluated 2025-12-06.

Conditions:
EGFR-related lung cancer (EGFR). Identifiers: MedGen CN130014.
Hereditary cancer-predisposing syndrome. Also called: Neoplastic Syndromes, Hereditary; Hereditary Cancer Syndrome; Tumor predisposition; Hereditary neoplastic syndrome. Identifiers: Orphanet 140162, MedGen C0027672, MeSH D009386, MONDO:0015356.

Allele frequency attached by ClinVar (database versions not stated): gnomAD 0.00001; gnomAD exomes 0.00001.
gnomAD v4.1: 9 of 1,614,088 alleles (0.00056%); highest among the groups gnomAD compares: Middle Eastern, 0.033%; no homozygotes.

Submissions (3):

Labcorp Genetics (formerly Invitae), Labcorp
Classification: Likely benign for EGFR-related lung cancer. Last evaluated: 2025-12-06. Review status: criteria provided, single submitter. Criteria: Invitae Variant Classification Sherloc (09022015). Collection method: clinical testing. Allele origin: germline.

Ambry Genetics
Classification: Uncertain significance for Hereditary cancer-predisposing syndrome. Last evaluated: 2024-11-08. Review status: criteria provided, single submitter. Criteria: Ambry Variant Classification Scheme 2023. Collection method: clinical testing. Allele origin: germline.
Comment: The c.1007-5T>C intronic variant results from a T to C substitution 5 nucleotides upstream from coding exon 9 in the EGFR gene. This nucleotide position is poorly conserved in available vertebrate species. In silico splice site analysis predicts that this alteration will not have any significant effect on splicing. Based on the available evidence, the clinical significance of this variant remains unclear.

Blueprint Genetics
Classification: Likely benign. Last evaluated: 2019-03-13. Review status: criteria provided, single submitter. Criteria: ACMG Guidelines, 2015. Collection method: clinical testing. Allele origin: germline.